The following is an entry in ClinVar:

NM_022041.4(GAN):c.1540G>C (p.Ala514Pro)

Gene: GAN (gigaxonin; plus strand). Cytogenetic location: 16q23.2.
Variant type: single nucleotide variant.
Coding change: c.1540G>C on transcript NM_022041.4 (MANE Select); coding-DNA position 1540, G replaced by C.
Protein change: p.Ala514Pro; replaces alanine 514 with proline.
Molecular consequence: missense variant.
Genome position (GRCh38, 1-based): chr16:81,377,256, G>C. VCF-style: chr16-81377256-G-C. GRCh37 (hg19) VCF-style: chr16-81410861-G-C.
Other names: c.901G>C, p.Ala301Pro (NM_001377486.1); short protein forms A301P, A514P.
Identifiers: ClinVar variation 1508286 (VCV001508286.5), dbSNP rs761202265, ClinGen allele CA285124312.

ClinVar aggregate classification (germline): Uncertain significance (1 of 4 stars; one submission).

Conditions:
Giant axonal neuropathy 1 (GAN1). Also called: GIANT AXONAL NEUROPATHY 1, AUTOSOMAL RECESSIVE; GAN-Related Neurodegeneration. Identifiers: Orphanet 643, MedGen C1850386, MONDO:0009749, OMIM 256850.

Submission:

Labcorp Genetics (formerly Invitae), Labcorp
Classification: Uncertain significance for Giant axonal neuropathy 1. Last evaluated: 2021-09-01. Review status: criteria provided, single submitter. Criteria: Invitae Variant Classification Sherloc (09022015). Collection method: clinical testing. Allele origin: germline.
Comment: This sequence change replaces alanine with proline at codon 514 of the GAN protein (p.Ala514Pro). The alanine residue is weakly conserved and there is a small physicochemical difference between alanine and proline. This variant is not present in population databases (ExAC no frequency). This variant has not been reported in the literature in individuals affected with GAN-related conditions. Algorithms developed to predict the effect of missense changes on protein structure and function (SIFT, PolyPhen-2, Align-GVGD) all suggest that this variant is likely to be tolerated. In summary, the available evidence is currently insufficient to determine the role of this variant in disease. Therefore, it has been classified as a Variant of Uncertain Significance.